The following is an entry in ClinVar:

ClinVar aggregate classification (germline): Benign. Review status: criteria provided, multiple submitters, no conflicts (2 of 4 stars). 12 submissions from 12 submitters: Benign (8). 4 of the submissions do not count toward it. Last evaluated 2026-02-02.

Conditions:
Collagen 6-related myopathy. Identifiers: MedGen CN117976, MONDO:0100225.
Bethlem myopathy 1A. Also called: Bethlem myopathy 1; Bethlem Muscular Dystrophy; MYOPATHY, BENIGN CONGENITAL, WITH CONTRACTURES. Identifiers: Orphanet 610, MedGen CN029274, MONDO:0024530, OMIM 158810.

Allele frequency attached by ClinVar (database versions not stated): gnomAD exomes 0.00308 and 0.00775; ExAC 0.00919; gnomAD 0.02858 and 0.02695; TOPMed 0.03204; 1000 Genomes Project 30x 0.03389; ESP Exome Variant Server 0.03046; 1000 Genomes Project 0.03215.
gnomAD v4.1: 8,882 of 1,613,022 alleles (0.55%); highest among the groups gnomAD compares: African/African-American, 9%; 312 homozygotes.

Submissions (12):

Labcorp Genetics (formerly Invitae), Labcorp
Classification: Benign for Bethlem myopathy 1A. Last evaluated: 2026-02-02. Review status: criteria provided, single submitter. Criteria: Invitae Variant Classification Sherloc (09022015). Collection method: clinical testing. Allele origin: germline.

Athena Diagnostics
Classification: Benign. Last evaluated: 2025-08-28. Review status: criteria provided, single submitter. Criteria: Athena Diagnostics Criteria. Collection method: clinical testing. Allele origin: unknown.
Comment: The frequency of this variant in the general population is higher than would generally be expected for pathogenic variants in this gene.

Mayo Clinic Laboratories, Mayo Clinic
Classification: Benign. Last evaluated: 2018-04-04. Review status: criteria provided, single submitter. Criteria: ACMG Guidelines, 2015. Collection method: clinical testing. Allele origin: germline. Observed: 14 variant alleles.

Illumina Laboratory Services, Illumina
Classification: Benign for Collagen VI-related myopathy. Last evaluated: 2018-01-13. Review status: criteria provided, single submitter. Criteria: ICSL Variant Classification Criteria 13 December 2019. Collection method: clinical testing. Allele origin: germline.
Comment: This variant was observed in the ICSL laboratory as part of a predisposition screen in an ostensibly healthy population. It had not been previously curated by ICSL or reported in the Human Gene Mutation Database (HGMD: prior to June 1st, 2018), and was therefore a candidate for classification through an automated scoring system. Utilizing variant allele frequency, disease prevalence and penetrance estimates, and inheritance mode, an automated score was calculated to assess if this variant is too frequent to cause the disease. Based on the score and internal cut-off values, a variant classified as benign is not then subjected to further curation. The score for this variant resulted in a classification of benign for this disease.

GeneDx
Classification: Benign. Last evaluated: 2016-03-28. Review status: criteria provided, single submitter. Criteria: GeneDx Variant Classification (06012015). Collection method: clinical testing. Allele origin: germline. Affected: yes.
Comment: This variant is considered likely benign or benign based on one or more of the following criteria: it is a conservative change, it occurs at a poorly conserved position in the protein, it is predicted to be benign by multiple in silico algorithms, and/or has population frequency not consistent with disease.

Eurofins Ntd Llc (ga)
Classification: Benign. Last evaluated: 2012-08-23. Review status: criteria provided, single submitter. Criteria: EGL Classification Definitions 2015. Collection method: clinical testing. Allele origin: germline. Observed: 3 variant alleles, 3 heterozygotes.

Breakthrough Genomics
Classification: Benign. Review status: criteria provided, single submitter. Criteria: ACMG Guidelines, 2015. Collection method: not provided. Allele origin: germline. Inheritance: Autosomal recessive inheritance. Affected: yes.

PreventionGenetics, part of Exact Sciences
Classification: Benign. Review status: criteria provided, single submitter. Criteria: ACMG Guidelines, 2015. Collection method: clinical testing. Allele origin: germline.

Clinical Genetics, Academic Medical Center
Classification: Benign. Review status: no assertion criteria provided. Collection method: clinical testing. Allele origin: germline. Affected: yes. Study: VKGL Data-share Consensus. Not counted in ClinVar's aggregate classification.

Genetic Services Laboratory, University of Chicago
Classification: Likely benign for AllHighlyPenetrant. Review status: no assertion criteria provided. Collection method: clinical testing. Allele origin: germline. Not counted in ClinVar's aggregate classification.
Comment: Likely benign based on allele frequency in 1000 Genomes Project or ESP global frequency and its presence in a patient with a rare or unrelated disease phenotype. NOT Sanger confirmed.

Joint Genome Diagnostic Labs from Nijmegen and Maastricht, Radboudumc and MUMC+
Classification: Benign. Review status: no assertion criteria provided. Collection method: clinical testing. Allele origin: germline. Affected: yes. Study: VKGL Data-share Consensus. Not counted in ClinVar's aggregate classification.

Laboratory of Diagnostic Genome Analysis, Leiden University Medical Center (LUMC)
Classification: Likely benign. Review status: no assertion criteria provided. Collection method: clinical testing. Allele origin: germline. Affected: yes. Study: VKGL Data-share Consensus. Not counted in ClinVar's aggregate classification.

NM_001848.3(COL6A1):c.2781C>T (p.Tyr927=)

Gene: COL6A1 (collagen type VI alpha 1 chain; plus strand). Cytogenetic location: 21q22.3.
Variant type: single nucleotide variant.
Coding change: c.2781C>T on transcript NM_001848.3 (MANE Select); coding-DNA position 2781, C replaced by T.
Protein change: p.Tyr927=; no amino-acid change (tyrosine 927 retained).
Molecular consequence: synonymous variant.
Genome position (GRCh38, 1-based): chr21:46,003,707, C>T. VCF-style: chr21-46003707-C-T. GRCh37 (hg19) VCF-style: chr21-47423621-C-T.
Other names: p.Tyr927=.
Identifiers: ClinVar variation 93868 (VCV000093868.32), dbSNP rs61735853, ClinGen allele CA147395.